The following is an entry in ClinVar:

ClinVar aggregate classification (germline): Likely benign. Review status: criteria provided, multiple submitters, no conflicts (2 of 4 stars). 3 submissions from 3 submitters: Likely benign (2). 1 of the submissions does not count toward it. Last evaluated 2026-02-01.

Conditions:
GRIN2D-related disorder. Also called: GRIN2D-related condition.

Allele frequency attached by ClinVar (database versions not stated): gnomAD 0.00007 and 0.00009; gnomAD exomes 0.00007 and 0.00024; TOPMed 0.00010; ExAC 0.00011.
gnomAD v4.1: 355 of 1,614,022 alleles (0.022%); highest among the groups gnomAD compares: Non-Finnish European, 0.029%; 1 homozygote.

Submissions (3):

CeGaT Center for Human Genetics Tuebingen
Classification: Likely benign. Last evaluated: 2026-02-01. Review status: criteria provided, single submitter. Criteria: CeGaT Center For Human Genetics Tuebingen Variant Classification Criteria Version 2. Collection method: clinical testing. Allele origin: germline. Affected: yes. Observed: 1 variant allele.
Comment: GRIN2D: BP4, BP7

Labcorp Genetics (formerly Invitae), Labcorp
Classification: Likely benign. Last evaluated: 2026-01-12. Review status: criteria provided, single submitter. Criteria: Invitae Variant Classification Sherloc (09022015). Collection method: clinical testing. Allele origin: germline.

PreventionGenetics, part of Exact Sciences
Classification: Likely benign for GRIN2D-related condition. Last evaluated: 2019-03-01. Review status: no assertion criteria provided. Collection method: clinical testing. Allele origin: germline. Not counted in ClinVar's aggregate classification.
Comment: This variant is classified as likely benign based on ACMG/AMP sequence variant interpretation guidelines (Richards et al. 2015 PMID: 25741868, with internal and published modifications).

NM_000836.4(GRIN2D):c.2181C>T (p.Pro727=)

Gene: GRIN2D (glutamate ionotropic receptor NMDA type subunit 2D; plus strand). Cytogenetic location: 19q13.33.
Variant type: single nucleotide variant.
Coding change: c.2181C>T on transcript NM_000836.4 (MANE Select); coding-DNA position 2181, C replaced by T.
Protein change: p.Pro727=; no amino-acid change (proline 727 retained).
Molecular consequence: synonymous variant.
Genome position (GRCh38, 1-based): chr19:48,421,874, C>T. VCF-style: chr19-48421874-C-T. GRCh37 (hg19) VCF-style: chr19-48925131-C-T.
Other names: c.2181C>T (NM_000836.2).
Identifiers: ClinVar variation 1580197 (VCV001580197.14), dbSNP rs773803571, ClinGen allele CA9550676.